The following is an entry in ClinVar:

ClinVar aggregate classification (germline): Uncertain significance (1 of 4 stars; one submission).

Submission:

GeneDx
Classification: Uncertain significance. Last evaluated: 2022-04-14. Review status: criteria provided, single submitter. Criteria: GeneDx Variant Classification Process June 2021. Collection method: clinical testing. Allele origin: germline. Affected: yes.
Comment: Not observed at significant frequency in large population cohorts (gnomAD); In silico analysis supports that this missense variant does not alter protein structure/function; Has not been previously published as pathogenic or benign to our knowledge

NM_001378414.1(HDAC4):c.1372A>C (p.Ile458Leu)

Gene: HDAC4 (histone deacetylase 4; minus strand). Cytogenetic location: 2q37.3.
Variant type: single nucleotide variant.
Coding change: c.1372A>C on transcript NM_001378414.1 (MANE Select); coding-DNA position 1372, A replaced by C.
Protein change: p.Ile458Leu; replaces isoleucine 458 with leucine.
Molecular consequence: missense variant.
Genome position (GRCh38, 1-based): chr2:239,126,617, T>G on the plus strand (A>C on the coding strand, the complement: HDAC4 is on the minus strand). VCF-style: chr2-239126617-T-G. GRCh37 (hg19) VCF-style: chr2-240048313-T-G.
Other names: c.1372A>C, p.Ile458Leu (NM_001378415.1); c.1357A>C, p.Ile453Leu (NM_001378416.1, NM_001378417.1, NM_006037.4); short protein forms I453L, I458L.
Identifiers: ClinVar variation 1710727 (VCV001710727.2), dbSNP rs1030590986, ClinGen allele CA351269467.